The following is an entry in ClinVar:

NM_018518.5(MCM10):c.1746-26G>A

Gene: MCM10 (minichromosome maintenance 10 replication initiation factor; plus strand). Cytogenetic location: 10p13.
Variant type: single nucleotide variant.
Coding change: c.1746-26G>A on transcript NM_018518.5 (MANE Select); 26 bases into the intron before coding-DNA position 1746, G replaced by A.
Molecular consequence: intron variant.
Genome position (GRCh38, 1-based): chr10:13,195,015, G>A. VCF-style: chr10-13195015-G-A. GRCh37 (hg19) VCF-style: chr10-13237015-G-A.
Other names: c.1749-26G>A (NM_182751.3).
Identifiers: ClinVar variation 2688107 (VCV002688107.2), dbSNP rs10796036, ClinGen allele CA5411620.

ClinVar aggregate classification (germline): Benign (1 of 4 stars; one submission).

Allele frequency attached by ClinVar (database versions not stated): 1000 Genomes Project 30x 0.79966; 1000 Genomes Project 0.80711; TOPMed 0.81976; gnomAD 0.83288; ESP Exome Variant Server 0.84292; ExAC 0.84845; gnomAD exomes 0.86982.
gnomAD v4.1: 1,376,998 of 1,590,486 alleles (87%); highest among the groups gnomAD compares: South Asian, 90%; 597,937 homozygotes.

Submission:

Unidad de Genómica Garrahan, Hospital de Pediatría Garrahan
Classification: Benign. Last evaluated: 2024-01-24. Review status: criteria provided, single submitter. Criteria: ACMG Guidelines, 2015. Collection method: clinical testing. Allele origin: germline. Affected: no. Observed: 94 variant alleles.
Comment: This variant is classified as Benign based on local population frequency. This variant was detected in 99% of patients studied by a panel of primary immunodeficiencies. Number of patients: 94. Only high quality variants are reported.